The following is an entry in ClinVar:

NM_004304.5(ALK):c.2324T>C (p.Val775Ala)

Gene: ALK (ALK receptor tyrosine kinase; minus strand). Cytogenetic location: 2p23.2.
Variant type: single nucleotide variant.
Coding change: c.2324T>C on transcript NM_004304.5 (MANE Select); coding-DNA position 2324, T replaced by C.
Protein change: p.Val775Ala; replaces valine 775 with alanine.
Molecular consequence: missense variant.
Genome position (GRCh38, 1-based): chr2:29,239,711, A>G on the plus strand (T>C on the coding strand, the complement: ALK is on the minus strand). VCF-style: chr2-29239711-A-G. GRCh37 (hg19) VCF-style: chr2-29462577-A-G.
Other names: c.2324T>C (NM_004304.4); short protein forms V775A.
Identifiers: ClinVar variation 2177661 (VCV002177661.5), dbSNP rs2465269998, ClinGen allele CA346474296.
Genomic context (GRCh38, chr2:29,239,711, plus strand): 5'-GACGAGAAACCCCTGCTCTGGGCACTTACACTGGGGCAGGCGTCCTCTCCCTGCTGCCCA[A>G]CCAGGATGTACAGCATGTCATCCTTCTCCAGGTTGAAGATGCCCAGCACAGACACGCCGT-3'
Protein context (NP_004295.2, residues 765-785): LEKDDMLYIL[Val775Ala]GQQGEDACPS

ClinVar aggregate classification (germline): Uncertain significance. Review status: criteria provided, multiple submitters, no conflicts (2 of 4 stars). 2 submissions from 2 submitters: Uncertain significance (2). Last evaluated 2024-10-25.

Conditions:
Hereditary cancer-predisposing syndrome. Also called: Neoplastic Syndromes, Hereditary; Tumor predisposition; Hereditary Cancer Syndrome; Hereditary neoplastic syndrome. Identifiers: Orphanet 140162, MedGen C0027672, MeSH D009386, MONDO:0015356.
Neuroblastoma, susceptibility to, 3. Also called: ALK-Related Neuroblastic Tumor Susceptibility. Identifiers: Orphanet 635, MedGen C2751681, MONDO:0013083, OMIM 613014.

Submissions (2):

Ambry Genetics
Classification: Uncertain significance for Hereditary cancer-predisposing syndrome. Last evaluated: 2024-10-25. Review status: criteria provided, single submitter. Criteria: Ambry Variant Classification Scheme 2023. Collection method: clinical testing. Allele origin: germline.
Comment: The p.V775A variant (also known as c.2324T>C), located in coding exon 13 of the ALK gene, results from a T to C substitution at nucleotide position 2324. The valine at codon 775 is replaced by alanine, an amino acid with similar properties. This amino acid position is conserved. In addition, the in silico prediction for this alteration is inconclusive. Based on the available evidence, the clinical significance of this variant remains unclear.

Labcorp Genetics (formerly Invitae), Labcorp
Classification: Uncertain significance for Neuroblastoma, susceptibility to, 3. Last evaluated: 2024-06-03. Review status: criteria provided, single submitter. Criteria: Invitae Variant Classification Sherloc (09022015). Collection method: clinical testing. Allele origin: germline.
Comment: This sequence change replaces valine, which is neutral and non-polar, with alanine, which is neutral and non-polar, at codon 775 of the ALK protein (p.Val775Ala). This variant is not present in population databases (gnomAD no frequency). This variant has not been reported in the literature in individuals affected with ALK-related conditions. ClinVar contains an entry for this variant (Variation ID: 2177661). An algorithm developed to predict the effect of missense changes on protein structure and function (PolyPhen-2) suggests that this variant is likely to be disruptive. In summary, the available evidence is currently insufficient to determine the role of this variant in disease. Therefore, it has been classified as a Variant of Uncertain Significance.